The following is an entry in ClinVar:

NM_020223.4(FAM20C):c.608C>T (p.Pro203Leu)

Gene: FAM20C (FAM20C golgi associated secretory pathway kinase; plus strand). Cytogenetic location: 7p22.3.
Variant type: single nucleotide variant.
Coding change: c.608C>T on transcript NM_020223.4 (MANE Select); coding-DNA position 608, C replaced by T.
Protein change: p.Pro203Leu; replaces proline 203 with leucine.
Molecular consequence: missense variant.
Genome position (GRCh38, 1-based): chr7:195,556, C>T. VCF-style: chr7-195556-C-T. GRCh37 (hg19) VCF-style: chr7-195556-C-T.
Other names: c.608C>T (NM_020223.2); short protein forms P203L.
Identifiers: ClinVar variation 2063547 (VCV002063547.3), dbSNP rs763622631, ClinGen allele CA4108942.

ClinVar aggregate classification (germline): Conflicting classifications of pathogenicity. Review status: criteria provided, conflicting classifications (1 of 4 stars). 3 submissions from 3 submitters: Uncertain significance (2); Likely benign (1). Last evaluated 2024-09-20.

Conditions:
Inborn genetic diseases. Identifiers: MedGen C0950123, MeSH D030342.
Lethal osteosclerotic bone dysplasia (RNS). Also called: Osteomalacia, sclerosing, with cerebral calcification. Identifiers: Orphanet 1832, MedGen C1850106, MONDO:0009821, OMIM 259775.

Allele frequency attached by ClinVar (database versions not stated): ExAC 0.00002; gnomAD exomes 0.00003; gnomAD 0.00005; TOPMed 0.00011.
gnomAD v4.1: 50 of 1,572,584 alleles (0.0032%); highest among the groups gnomAD compares: Middle Eastern, 0.017%; no homozygotes.

Submissions (3):

3billion
Classification: Likely benign for Lethal osteosclerotic bone dysplasia. Last evaluated: 2024-09-20. Review status: criteria provided, single submitter. Criteria: ACMG Guidelines, 2015. Collection method: clinical testing. Allele origin: germline. Affected: no.
Comment: The homozygous variant was found in patients diagnosed with another variant in a different gene, with no symptoms related to the gene containing the homozygous variant.

Ambry Genetics
Classification: Uncertain significance for Inborn genetic diseases. Last evaluated: 2024-06-22. Review status: criteria provided, single submitter. Criteria: Ambry Variant Classification Scheme 2023. Collection method: clinical testing. Allele origin: germline.

Labcorp Genetics (formerly Invitae), Labcorp
Classification: Uncertain significance. Last evaluated: 2022-06-30. Review status: criteria provided, single submitter. Criteria: Invitae Variant Classification Sherloc (09022015). Collection method: clinical testing. Allele origin: germline.
Comment: This sequence change replaces proline, which is neutral and non-polar, with leucine, which is neutral and non-polar, at codon 203 of the FAM20C protein (p.Pro203Leu). This variant is present in population databases (rs763622631, gnomAD 0.03%). This variant has not been reported in the literature in individuals affected with FAM20C-related conditions. Algorithms developed to predict the effect of missense changes on protein structure and function (SIFT, PolyPhen-2, Align-GVGD) all suggest that this variant is likely to be tolerated. In summary, the available evidence is currently insufficient to determine the role of this variant in disease. Therefore, it has been classified as a Variant of Uncertain Significance.